The following is an entry in ClinVar:

NM_001267550.2(TTN):c.18719G>A (p.Arg6240Gln)

Genes: TTN (titin; minus strand), LOC126806430 (BRD4-independent group 4 enhancer GRCh37_chr2:179593794-179594993; plus strand). Cytogenetic location: 2q31.2.
Variant type: single nucleotide variant.
Coding change: c.18719G>A on transcript NM_001267550.2 (MANE Select); coding-DNA position 18719, G replaced by A.
Protein change: p.Arg6240Gln; replaces arginine 6240 with glutamine.
Molecular consequence: missense variant. On other transcripts: intron variant (3).
Genome position (GRCh38, 1-based): chr2:178,729,437, C>T on the plus strand (G>A on the coding strand, the complement: TTN is on the minus strand). VCF-style: chr2-178729437-C-T. GRCh37 (hg19) VCF-style: chr2-179594164-C-T.
Other names: c.17768G>A, p.Arg5923Gln (NM_001256850.1); c.14987G>A, p.Arg4996Gln (NM_133378.4); c.13282+8645G>A (NM_003319.4); c.13858+8645G>A (NM_133437.4); c.13657+8645G>A (NM_133432.3); short protein forms R5923Q, R6240Q, R4996Q.
Identifiers: ClinVar variation 517037 (VCV000517037.18), dbSNP rs761993856, ClinGen allele CA2001552.

ClinVar aggregate classification (germline): Conflicting classifications of pathogenicity. Review status: criteria provided, conflicting classifications (1 of 4 stars). 6 submissions from 6 submitters: Uncertain significance (1); Likely benign (5). Last evaluated 2025-12-04.

Conditions:
Autosomal recessive limb-girdle muscular dystrophy type 2J (LGMDR10). Also called: Limb-girdle muscular dystrophy, type 2J; MUSCULAR DYSTROPHY, LIMB-GIRDLE, AUTOSOMAL RECESSIVE 10. Identifiers: Orphanet 140922, MedGen C1837342, MONDO:0012127, OMIM 608807.
Dilated cardiomyopathy 1G (CMD1G). Identifiers: Orphanet 154, MedGen C1858763, MONDO:0011400, OMIM 604145.

Allele frequency attached by ClinVar (database versions not stated): gnomAD 0.00003 and 0.00004; TOPMed 0.00006; ExAC 0.00012.
gnomAD v4.1: 68 of 1,613,474 alleles (0.0042%); highest among the groups gnomAD compares: East Asian, 0.13%; no homozygotes.

Submissions (6):

Labcorp Genetics (formerly Invitae), Labcorp
Classification: Likely benign for Dilated cardiomyopathy 1G; Autosomal recessive limb-girdle muscular dystrophy type 2J. Last evaluated: 2025-12-04. Review status: criteria provided, single submitter. Criteria: Invitae Variant Classification Sherloc (09022015). Collection method: clinical testing. Allele origin: germline.

Revvity Omics, Revvity
Classification: Uncertain significance. Last evaluated: 2024-12-20. Review status: criteria provided, single submitter. Criteria: ACMG Guidelines, 2015. Collection method: clinical testing. Allele origin: germline.

Blueprint Genetics
Classification: Likely benign. Last evaluated: 2024-02-23. Review status: criteria provided, single submitter. Criteria: ACMG Guidelines, 2015. Collection method: clinical testing. Allele origin: germline.

Athena Diagnostics
Classification: Likely benign. Last evaluated: 2020-09-01. Review status: criteria provided, single submitter. Criteria: Athena Diagnostics criteria. Collection method: clinical testing. Allele origin: unknown.

GeneDx
Classification: Likely benign. Last evaluated: 2019-11-18. Review status: criteria provided, single submitter. Criteria: GeneDx Variant Classification Process June 2021. Collection method: clinical testing. Allele origin: germline. Affected: yes.
Comment: This variant is associated with the following publications: (PMID: 27066551)

Breakthrough Genomics
Classification: Likely benign. Review status: criteria provided, single submitter. Criteria: ACMG Guidelines, 2015. Collection method: not provided. Allele origin: germline. Inheritance: Autosomal recessive inheritance. Affected: yes.

Literature cited by the submitters: PubMed 27066551 (cited by Athena Diagnostics).